The following is an entry in ClinVar:

NM_004991.4(MECOM):c.3241G>T (p.Val1081Phe)

Gene: MECOM (MDS1 and EVI1 complex locus; minus strand). Cytogenetic location: 3q26.2.
Variant type: single nucleotide variant.
Coding change: c.3241G>T on transcript NM_004991.4 (MANE Select); coding-DNA position 3241, G replaced by T.
Protein change: p.Val1081Phe; replaces valine 1081 with phenylalanine.
Molecular consequence: missense variant.
Genome position (GRCh38, 1-based): chr3:169,090,160, C>A on the plus strand (G>T on the coding strand, the complement: MECOM is on the minus strand). VCF-style: chr3-169090160-C-A. GRCh37 (hg19) VCF-style: chr3-168807948-C-A.
Other names: c.2872G>T, p.Val958Phe (NM_001105077.4); c.2677G>T, p.Val893Phe (NM_001105078.4, NM_001205194.2, NM_001366469.2 and 1 more transcripts); c.2653G>T, p.Val885Phe (NM_001163999.2, NM_001366470.2); c.2650G>T, p.Val884Phe (NM_001164000.2, NM_001366471.2, NM_001366472.2); c.3214G>T, p.Val1072Phe (NM_001366466.2); c.2680G>T, p.Val894Phe (NM_001366467.2, NM_001366468.2); c.2242G>T, p.Val748Phe (NM_001366473.2); c.1678G>T, p.Val560Phe (NM_001366474.2); short protein forms V1081F, V893F, V958F, V1072F, V884F, V560F, V748F, V885F.
Identifiers: ClinVar variation 4053207 (VCV004053207.1).
Genomic context (GRCh38, chr3:169,090,160, plus strand): 5'-CTGTTTTTCCAGTAATATCATTGTCTTCATCCTCCTCATCTAACAACACCTCATCTTCAA[C>A]TTCTTCATCATCCAGCAAGTCTGAATTTTGACTGGTCACCAAAGCCTTTTCATCTTTAAA-3'
Protein context (NP_004982.2, residues 1071-1091): QNSDLLDDEE[Val1081Phe]EDEVLLDEED

ClinVar aggregate classification (germline): Uncertain significance (1 of 4 stars; one submission).

Conditions:
Inborn genetic diseases. Identifiers: MedGen C0950123, MeSH D030342.

gnomAD v4.1: 3 of 1,613,356 alleles (0.00019%); highest among the groups gnomAD compares: African/African-American, 0.0027%; no homozygotes.

Submission:

Ambry Genetics
Classification: Uncertain significance for Inborn genetic diseases. Last evaluated: 2025-04-19. Review status: criteria provided, single submitter. Criteria: Ambry Variant Classification Scheme 2023. Collection method: clinical testing. Allele origin: germline.
Comment: The p.V1081F variant (also known as c.3241G>T), located in coding exon 15 of the MECOM gene, results from a G to T substitution at nucleotide position 3241. The valine at codon 1081 is replaced by phenylalanine, an amino acid with highly similar properties. This amino acid position is conserved. In addition, this alteration is predicted to be tolerated by in silico analysis. Based on the available evidence, the clinical significance of this variant remains unclear.